The following is an entry in ClinVar:

ClinVar aggregate classification (germline): Uncertain significance (1 of 4 stars; one submission).

Allele frequency attached by ClinVar (database versions not stated): ExAC 0.00001; gnomAD 0.00001; gnomAD exomes 0.00001; TOPMed 0.00001.

Submission:

Labcorp Genetics (formerly Invitae), Labcorp
Classification: Uncertain significance. Last evaluated: 2023-11-06. Review status: criteria provided, single submitter. Criteria: Invitae Variant Classification Sherloc (09022015). Collection method: clinical testing. Allele origin: germline.
Comment: This sequence change replaces glycine, which is neutral and non-polar, with serine, which is neutral and polar, at codon 14 of the PITPNM3 protein (p.Gly14Ser). This variant is present in population databases (rs774176667, gnomAD 0.02%). This variant has not been reported in the literature in individuals affected with PITPNM3-related conditions. ClinVar contains an entry for this variant (Variation ID: 1495696). Advanced modeling of protein sequence and biophysical properties (such as structural, functional, and spatial information, amino acid conservation, physicochemical variation, residue mobility, and thermodynamic stability) performed at Invitae indicates that this missense variant is not expected to disrupt PITPNM3 protein function with a negative predictive value of 80%. In summary, the available evidence is currently insufficient to determine the role of this variant in disease. Therefore, it has been classified as a Variant of Uncertain Significance.

NM_031220.4(PITPNM3):c.40G>A (p.Gly14Ser)

Gene: PITPNM3 (PITPNM family member 3; minus strand). Cytogenetic location: 17p13.1.
Variant type: single nucleotide variant.
Coding change: c.40G>A on transcript NM_031220.4 (MANE Select); coding-DNA position 40, G replaced by A.
Protein change: p.Gly14Ser; replaces glycine 14 with serine.
Molecular consequence: missense variant.
Genome position (GRCh38, 1-based): chr17:6,538,065, C>T on the plus strand (G>A on the coding strand, the complement: PITPNM3 is on the minus strand). VCF-style: chr17-6538065-C-T. GRCh37 (hg19) VCF-style: chr17-6441385-C-T.
Other names: c.40G>A, p.Gly14Ser (NM_001165966.2); short protein forms G14S.
Identifiers: ClinVar variation 1495696 (VCV001495696.9), dbSNP rs774176667, ClinGen allele CA8329969.